The following is an entry in ClinVar:

NM_014000.3(VCL):c.2515G>C (p.Glu839Gln)

Gene: VCL (vinculin; plus strand). Cytogenetic location: 10q22.2.
Variant type: single nucleotide variant.
Coding change: c.2515G>C on transcript NM_014000.3 (MANE Select); coding-DNA position 2515, G replaced by C.
Protein change: p.Glu839Gln; replaces glutamic acid 839 with glutamine.
Molecular consequence: missense variant.
Genome position (GRCh38, 1-based): chr10:74,107,310, G>C. VCF-style: chr10-74107310-G-C. GRCh37 (hg19) VCF-style: chr10-75867068-G-C.
Other names: c.2515G>C, p.Glu839Gln (NM_003373.4); short protein forms E839Q.
Identifiers: ClinVar variation 1356275 (VCV001356275.6), dbSNP rs747152761, ClinGen allele CA209695452.

ClinVar aggregate classification (germline): Uncertain significance (1 of 4 stars; one submission).

Conditions:
Dilated cardiomyopathy 1W (CMD1W). Identifiers: Orphanet 154, MedGen C1969639, MONDO:0012667, OMIM 611407.

Submission:

Labcorp Genetics (formerly Invitae), Labcorp
Classification: Uncertain significance for Dilated cardiomyopathy 1W. Last evaluated: 2021-11-14. Review status: criteria provided, single submitter. Criteria: Invitae Variant Classification Sherloc (09022015). Collection method: clinical testing. Allele origin: germline.
Comment: This sequence change replaces glutamic acid, which is acidic and polar, with glutamine, which is neutral and polar, at codon 839 of the VCL protein (p.Glu839Gln). This variant is not present in population databases (gnomAD no frequency). This variant has not been reported in the literature in individuals affected with VCL-related conditions. Algorithms developed to predict the effect of missense changes on protein structure and function are either unavailable or do not agree on the potential impact of this missense change (SIFT: "Not Available"; PolyPhen-2: "Probably Damaging"; Align-GVGD: "Not Available"). In summary, the available evidence is currently insufficient to determine the role of this variant in disease. Therefore, it has been classified as a Variant of Uncertain Significance.